The following is an entry in ClinVar:

ClinVar aggregate classification (germline): Uncertain significance. Review status: criteria provided, multiple submitters, no conflicts (2 of 4 stars). 4 submissions from 4 submitters: Uncertain significance (4). Last evaluated 2022-10-14.

Conditions:
Intellectual developmental disorder, autosomal recessive 13. Also called: Intellectual disability, autosomal recessive 13. Identifiers: Orphanet 88616, MedGen C2750791, MONDO:0013173, OMIM 613192.
Inborn genetic diseases. Identifiers: MedGen C0950123, MeSH D030342.

Allele frequency attached by ClinVar (database versions not stated): gnomAD exomes 0.00001 and 0.00002; TOPMed 0.00002; gnomAD 0.00003.
gnomAD v4.1: 38 of 1,574,030 alleles (0.0024%); highest among the groups gnomAD compares: African/African-American, 0.004%; no homozygotes.

Submissions (4):

Labcorp Genetics (formerly Invitae), Labcorp
Classification: Uncertain significance. Last evaluated: 2022-10-14. Review status: criteria provided, single submitter. Criteria: Invitae Variant Classification Sherloc (09022015). Collection method: clinical testing. Allele origin: germline.
Comment: In summary, the available evidence is currently insufficient to determine the role of this variant in disease. Therefore, it has been classified as a Variant of Uncertain Significance. Algorithms developed to predict the effect of missense changes on protein structure and function are either unavailable or do not agree on the potential impact of this missense change (SIFT: "Not Available"; PolyPhen-2: "Possibly Damaging"; Align-GVGD: "Not Available"). ClinVar contains an entry for this variant (Variation ID: 587878). This variant has not been reported in the literature in individuals affected with TRAPPC9-related conditions. The frequency data for this variant in the population databases is considered unreliable, as metrics indicate poor data quality at this position in the gnomAD database. This sequence change replaces glutamine, which is neutral and polar, with lysine, which is basic and polar, at codon 1103 of the TRAPPC9 protein (p.Gln1103Lys).

Fulgent Genetics
Classification: Uncertain significance for Intellectual developmental disorder, autosomal recessive 13. Last evaluated: 2022-01-14. Review status: criteria provided, single submitter. Criteria: ACMG Guidelines, 2015. Collection method: clinical testing. Allele origin: unknown.

Ambry Genetics
Classification: Uncertain significance for Inborn genetic diseases. Last evaluated: 2016-05-26. Review status: criteria provided, single submitter. Criteria: Ambry Variant Classification Scheme 2023. Collection method: clinical testing. Allele origin: germline.
Comment: The p.Q1103K variant (also known as c.3307C>A), located in coding exon 21 of the TRAPPC9 gene, results from a C to A substitution at nucleotide position 3307. The glutamine at codon 1103 is replaced by lysine, an amino acid with similar properties. This variant was not reported in population based cohorts in the following databases: Database of Single Nucleotide Polymorphisms (dbSNP), NHLBI Exome Sequencing Project (ESP), and 1000 Genomes Project. In the ESP, this variant was not observed in 6482 samples (12964 alleles) with coverage at this position. This amino acid position is highly conserved in available vertebrate species. In addition, the in silico prediction for this alteration is inconclusive. Since supporting evidence is limited at this time, the clinical significance of this alteration remains unclear.

Breakthrough Genomics
Classification: Uncertain significance. Review status: criteria provided, single submitter. Criteria: ACMG Guidelines, 2015. Collection method: not provided. Allele origin: germline. Inheritance: Autosomal recessive inheritance. Affected: yes.

NM_001160372.4(TRAPPC9):c.3013C>A (p.Gln1005Lys)

Gene: TRAPPC9 (trafficking protein particle complex subunit 9; minus strand). Cytogenetic location: 8q24.3.
Variant type: single nucleotide variant.
Coding change: c.3013C>A on transcript NM_001160372.4 (MANE Select); coding-DNA position 3013, C replaced by A.
Protein change: p.Gln1005Lys; replaces glutamine 1005 with lysine.
Molecular consequence: missense variant. On other transcripts: non-coding transcript variant (1).
Genome position (GRCh38, 1-based): chr8:139,885,921, G>T on the plus strand (C>A on the coding strand, the complement: TRAPPC9 is on the minus strand). VCF-style: chr8-139885921-G-T. GRCh37 (hg19) VCF-style: chr8-140898165-G-T.
Other names: c.2986C>A, p.Gln996Lys (NM_001321646.2); c.3034C>A, p.Gln1012Lys (NM_001374682.1); c.2902C>A, p.Gln968Lys (NM_001374683.1); c.2869C>A, p.Gln957Lys (NM_001374684.1); c.3013C>A, p.Gln1005Lys (NM_031466.8); short protein forms Q1005K, Q996K, Q1012K, Q957K, Q968K.
Identifiers: ClinVar variation 587878 (VCV000587878.16), dbSNP rs913893905, ClinGen allele CA187219382.